The following is an entry in ClinVar:

ClinVar aggregate classification (germline): Uncertain significance (1 of 4 stars; one submission).

Conditions:
NRP1-related disorder. Also called: NRP1-related condition.

gnomAD v4.1: 35 of 1,612,418 alleles (0.0022%); highest among the groups gnomAD compares: East Asian, 0.013%; no homozygotes.

Submission:

PreventionGenetics, part of Exact Sciences
Classification: Uncertain significance for NRP1-related condition. Last evaluated: 2026-08-13. Review status: criteria provided, single submitter. Criteria: ACMG Guidelines, 2015. Collection method: clinical testing. Allele origin: germline.
Comment: The NRP1 c.270C>T variant is not predicted to result in an amino acid change (p.=). This variant is predicted to impact splicing based on splicing prediction programs (SpliceAI, Jaganathan et al. 2019. PubMed ID: 30661751). However, the use of computer prediction programs is not equivalent to functional evidence. To our knowledge, this variant has not been reported in the literature. This variant is reported in 0.0055% of alleles in individuals of East Asian descent in gnomAD. At this time, the clinical significance of this variant is uncertain due to the absence of conclusive functional and genetic evidence.

NM_003873.7(NRP1):c.270C>T (p.Phe90=)

Gene: NRP1 (neuropilin 1; minus strand). Cytogenetic location: 10p11.22.
Variant type: single nucleotide variant.
Coding change: c.270C>T on transcript NM_003873.7 (MANE Select); coding-DNA position 270, C replaced by T.
Protein change: p.Phe90=; no amino-acid change (phenylalanine 90 retained).
Molecular consequence: synonymous variant.
Genome position (GRCh38, 1-based): chr10:33,270,835, G>A on the plus strand (C>T on the coding strand, the complement: NRP1 is on the minus strand). VCF-style: chr10-33270835-G-A. GRCh37 (hg19) VCF-style: chr10-33559763-G-A.
Other names: c.270C>T, p.Phe90= (NM_001024628.3, NM_001024629.3, NM_001244972.2 and 2 more transcripts).
Identifiers: ClinVar variation 3345857 (VCV003345857.2).